The following is an entry in ClinVar:

NM_170707.4(LMNA):c.1414C>T (p.Gln472Ter)

Gene: LMNA (lamin A/C; plus strand). Cytogenetic location: 1q22.
Variant type: single nucleotide variant.
Coding change: c.1414C>T on transcript NM_170707.4 (MANE Select); coding-DNA position 1414, C replaced by T.
Protein change: p.Gln472Ter; replaces glutamine 472 with a stop codon.
Molecular consequence: nonsense.
Genome position (GRCh38, 1-based): chr1:156,136,954, C>T. VCF-style: chr1-156136954-C-T. GRCh37 (hg19) VCF-style: chr1-156106745-C-T.
Other names: c.1078C>T, p.Gln360Ter (NM_001257374.3); c.1171C>T, p.Gln391Ter (NM_001282624.2); c.1414C>T, p.Gln472Ter (NM_001282625.2, NM_001282626.2, NM_005572.4 and 1 more transcripts); short protein forms Q360*, Q391*, Q472*.
Identifiers: ClinVar variation 1076448 (VCV001076448.7), dbSNP rs2102893828, ClinGen allele CA342822539.

ClinVar aggregate classification (germline): Pathogenic (1 of 4 stars; one submission).

Conditions:
Charcot-Marie-Tooth disease type 2. Also called: Charcot-Marie-Tooth type 2. Identifiers: Orphanet 64746, MedGen C0270914, MONDO:0018993.

Submission:

Labcorp Genetics (formerly Invitae), Labcorp
Classification: Pathogenic for Charcot-Marie-Tooth disease type 2. Last evaluated: 2025-03-10. Review status: criteria provided, single submitter. Criteria: Invitae Variant Classification Sherloc (09022015). Collection method: clinical testing. Allele origin: germline.
Comment: This sequence change creates a premature translational stop signal (p.Gln472*) in the LMNA gene. It is expected to result in an absent or disrupted protein product. Loss-of-function variants in LMNA are known to be pathogenic (PMID: 18585512, 18926329). This variant is not present in population databases (gnomAD no frequency). This variant has not been reported in the literature in individuals affected with LMNA-related conditions. ClinVar contains an entry for this variant (Variation ID: 1076448). For these reasons, this variant has been classified as Pathogenic.

Literature cited by the submitters: PubMed 18585512; PubMed 18926329.